The following is an entry in ClinVar:

ClinVar aggregate classification (germline): Uncertain significance (1 of 4 stars; one submission).

Submission:

GeneDx
Classification: Uncertain significance. Last evaluated: 2022-12-06. Review status: criteria provided, single submitter. Criteria: GeneDx Variant Classification Process June 2021. Collection method: clinical testing. Allele origin: germline. Affected: yes.
Comment: Not observed at significant frequency in large population cohorts (gnomAD); In silico analysis supports that this missense variant has a deleterious effect on protein structure/function; Has not been previously published as pathogenic or benign to our knowledge

NM_012330.4(KAT6B):c.4919C>G (p.Ser1640Cys)

Gene: KAT6B (lysine acetyltransferase 6B; plus strand). Cytogenetic location: 10q22.2.
Variant type: single nucleotide variant.
Coding change: c.4919C>G on transcript NM_012330.4 (MANE Select); coding-DNA position 4919, C replaced by G.
Protein change: p.Ser1640Cys; replaces serine 1640 with cysteine.
Molecular consequence: missense variant.
Genome position (GRCh38, 1-based): chr10:75,029,743, C>G. VCF-style: chr10-75029743-C-G. GRCh37 (hg19) VCF-style: chr10-76789501-C-G.
Other names: c.4370C>G, p.Ser1457Cys (NM_001256468.2, NM_001370138.1); c.4043C>G, p.Ser1348Cys (NM_001256469.2, NM_001370139.1, NM_001370140.1 and 2 more transcripts); c.3881C>G, p.Ser1294Cys (NM_001370132.1); c.3230C>G, p.Ser1077Cys (NM_001370133.1); c.2834C>G, p.Ser945Cys (NM_001370134.1); c.2576C>G, p.Ser859Cys (NM_001370135.1); c.4919C>G, p.Ser1640Cys (NM_001370136.1, NM_001370137.1); c.3854C>G, p.Ser1285Cys (NM_001370143.1, NM_001370144.1); short protein forms S1077C, S1285C, S1294C, S1348C, S1457C, S1640C, S859C, S945C.
Identifiers: ClinVar variation 2504923 (VCV002504923.1), dbSNP rs2549207100, ClinGen allele CA377299078.